The following is an entry in ClinVar:

NM_199069.2(NDUFAF3):c.270+15_270+16delinsAA

Gene: NDUFAF3 (NADH:ubiquinone oxidoreductase complex assembly factor 3; plus strand). Cytogenetic location: 3p21.31.
Variant type: Indel.
Coding change: c.270+15_270+16delinsAA on transcript NM_199069.2 (MANE Select); bases 15 to 16 of the intron after coding-DNA position 270, GC replaced by AA.
Molecular consequence: intron variant.
Genome position (GRCh38, 1-based): chr3:49,022,553-49,022,554, GC replaced by AA. VCF-style: chr3-49022553-GC-AA. GRCh37 (hg19) VCF-style: chr3-49059986-GC-AA.
Other names: c.99+15_99+16delinsAA (NM_199074.2, NM_199073.2, NM_199070.2).
Identifiers: ClinVar variation 511870 (VCV000511870.1), dbSNP rs1553735255, ClinGen allele CA658796316.

ClinVar aggregate classification (germline): Likely benign (1 of 4 stars; one submission).

Submission:

GeneDx
Classification: Likely benign. Last evaluated: 2017-09-15. Review status: criteria provided, single submitter. Criteria: GeneDx Variant Classification (06012015). Collection method: clinical testing. Allele origin: germline. Affected: yes.
Comment: This variant is considered likely benign or benign based on one or more of the following criteria: it is a conservative change, it occurs at a poorly conserved position in the protein, it is predicted to be benign by multiple in silico algorithms, and/or has population frequency not consistent with disease.